The following is an entry in ClinVar:

ClinVar aggregate classification (germline): Uncertain significance (1 of 4 stars; one submission).

Conditions:
SEMA3A-related disorder. Also called: SEMA3A-related condition.

Allele frequency attached by ClinVar (database versions not stated): gnomAD exomes below 0.00001; gnomAD 0.00001.
gnomAD v4.1: 3 of 1,612,920 alleles (0.00019%); highest among the groups gnomAD compares: East Asian, 0.0022%; no homozygotes.

Submission:

PreventionGenetics, part of Exact Sciences
Classification: Uncertain significance for SEMA3A-related condition. Last evaluated: 2023-02-27. Review status: criteria provided, single submitter. Criteria: ACMG Guidelines, 2015. Collection method: clinical testing. Allele origin: germline.
Comment: The SEMA3A c.727G>A variant is predicted to result in the amino acid substitution p.Val243Ile. To our knowledge, this variant has not been reported in the literature. This variant is reported in 0.0% of alleles in individuals of African descent in gnomAD. At this time, the clinical significance of this variant is uncertain due to the absence of conclusive functional and genetic evidence.

NM_006080.3(SEMA3A):c.727G>A (p.Val243Ile)

Gene: SEMA3A (semaphorin 3A; minus strand). Cytogenetic location: 7q21.11.
Variant type: single nucleotide variant.
Coding change: c.727G>A on transcript NM_006080.3 (MANE Select); coding-DNA position 727, G replaced by A.
Protein change: p.Val243Ile; replaces valine 243 with isoleucine.
Molecular consequence: missense variant.
Genome position (GRCh38, 1-based): chr7:84,014,292, C>T on the plus strand (G>A on the coding strand, the complement: SEMA3A is on the minus strand). VCF-style: chr7-84014292-C-T. GRCh37 (hg19) VCF-style: chr7-83643608-C-T.
Other names: short protein forms V243I.
Identifiers: ClinVar variation 2630557 (VCV002630557.1), dbSNP rs1343011334, ClinGen allele CA367957203.
Genomic context (GRCh38, chr7:84,014,292, plus strand): 5'-CGTGAGTAGCTTTTCCAGAGTGTTCTCCATCTATTGCATTTTCACGGAAGAAAAAGTATA[C>T]TTTGTCATCTTCAGGATTGTCACTCTCTGAGATGAGGTGGGCACTAATGAACTTTGGATC-3'
Protein context (NP_006071.1, residues 233-253): SESDNPEDDK[Val243Ile]YFFFRENAID